The following is an entry in ClinVar:

ClinVar aggregate classification (germline): Uncertain significance (1 of 4 stars; one submission).

Allele frequency attached by ClinVar (database versions not stated): TOPMed below 0.00001; gnomAD 0.00001.

Submission:

Labcorp Genetics (formerly Invitae), Labcorp
Classification: Uncertain significance. Last evaluated: 2023-09-08. Review status: criteria provided, single submitter. Criteria: Invitae Variant Classification Sherloc (09022015). Collection method: clinical testing. Allele origin: germline.
Comment: This sequence change replaces phenylalanine, which is neutral and non-polar, with leucine, which is neutral and non-polar, at codon 50 of the RAB28 protein (p.Phe50Leu). This variant is not present in population databases (gnomAD no frequency). This variant has not been reported in the literature in individuals affected with RAB28-related conditions. An algorithm developed to predict the effect of missense changes on protein structure and function (PolyPhen-2) suggests that this variant is likely to be disruptive. In summary, the available evidence is currently insufficient to determine the role of this variant in disease. Therefore, it has been classified as a Variant of Uncertain Significance.

NM_001017979.3(RAB28):c.148T>C (p.Phe50Leu)

Gene: RAB28 (RAB28, member RAS oncogene family; minus strand). Cytogenetic location: 4p15.33.
Variant type: single nucleotide variant.
Coding change: c.148T>C on transcript NM_001017979.3 (MANE Select); coding-DNA position 148, T replaced by C.
Protein change: p.Phe50Leu; replaces phenylalanine 50 with leucine.
Molecular consequence: missense variant.
Genome position (GRCh38, 1-based): chr4:13,479,454, A>G on the plus strand (T>C on the coding strand, the complement: RAB28 is on the minus strand). VCF-style: chr4-13479454-A-G. GRCh37 (hg19) VCF-style: chr4-13481078-A-G.
Other names: c.148T>C, p.Phe50Leu (NM_001159601.2, NM_004249.4); short protein forms F50L.
Identifiers: ClinVar variation 2824127 (VCV002824127.3), dbSNP rs927090353, ClinGen allele CA92472302.